The following is an entry in ClinVar:

NM_020435.4(GJC2):c.220C>G (p.Leu74Val)

Gene: GJC2 (gap junction protein gamma 2; plus strand). Cytogenetic location: 1q42.13.
Variant type: single nucleotide variant.
Coding change: c.220C>G on transcript NM_020435.4 (MANE Select); coding-DNA position 220, C replaced by G.
Protein change: p.Leu74Val; replaces leucine 74 with valine.
Molecular consequence: missense variant.
Genome position (GRCh38, 1-based): chr1:228,157,978, C>G. VCF-style: chr1-228157978-C-G. GRCh37 (hg19) VCF-style: chr1-228345679-C-G.
Other names: short protein forms L74V.
Identifiers: ClinVar variation 1302701 (VCV001302701.2), dbSNP rs2034707943, ClinGen allele CA345097162.

ClinVar aggregate classification (germline): Uncertain significance (1 of 4 stars; one submission).

Allele frequency attached by ClinVar (database versions not stated): gnomAD exomes below 0.00001.
gnomAD v4.1: 1 of 1,612,450 alleles (0.000062%); highest among the groups gnomAD compares: South Asian, 0.0011%; no homozygotes.

Submission:

GeneDx
Classification: Uncertain significance. Last evaluated: 2019-05-30. Review status: criteria provided, single submitter. Criteria: GeneDx Variant Classification Process June 2021. Collection method: clinical testing. Allele origin: germline. Affected: yes.
Comment: Not observed in large population cohorts (Lek et al., 2016); In silico analysis, which includes protein predictors and evolutionary conservation, supports that this variant does not alter protein structure/function; Has not been previously published as pathogenic or benign to our knowledge